The following is an entry in ClinVar:

ClinVar aggregate classification (germline): Uncertain significance. Review status: criteria provided, multiple submitters, no conflicts (2 of 4 stars). 7 submissions from 7 submitters: Uncertain significance (6). 1 of the submissions does not count toward it. Last evaluated 2025-02-04.

Conditions:
Hereditary cancer-predisposing syndrome. Also called: Neoplastic Syndromes, Hereditary; Hereditary neoplastic syndrome; Tumor predisposition; Hereditary Cancer Syndrome. Identifiers: Orphanet 140162, MedGen C0027672, MeSH D009386, MONDO:0015356.
Ataxia-telangiectasia syndrome (AT). Also called: Ataxia telangiectasia (A-T); Cerebello-oculocutaneous telangiectasia; Immunodeficiency with ataxia telangiectasia; LOUIS-BAR SYNDROME; AT, COMPLEMENTATION GROUP C; ATAXIA-TELANGIECTASIA, FRESNO VARIANT. Identifiers: Orphanet 100, MedGen C0004135, MONDO:0008840, OMIM 208900.
Familial cancer of breast. Also called: hereditary breast carcinoma; Hereditary breast cancer; BREAST CANCER, FAMILIAL. Identifiers: Orphanet 227535, MedGen C0346153, MONDO:0016419, OMIM 114480. Disease mechanism: loss of function.

Allele frequency attached by ClinVar (database versions not stated): gnomAD exomes 0.00001.
gnomAD v4.1: 8 of 1,613,810 alleles (0.0005%); highest among the groups gnomAD compares: Non-Finnish European, 0.00068%; no homozygotes.

Submissions (7):

Ambry Genetics
Classification: Uncertain significance for Hereditary cancer-predisposing syndrome. Last evaluated: 2025-02-04. Review status: criteria provided, single submitter. Criteria: Ambry Variant Classification Scheme 2023. Collection method: clinical testing. Allele origin: germline.
Comment: The p.P2842S variant (also known as c.8524C>T), located in coding exon 57 of the ATM gene, results from a C to T substitution at nucleotide position 8524. The proline at codon 2842 is replaced by serine, an amino acid with similar properties. This amino acid position is highly conserved in available vertebrate species. In addition, this alteration is predicted to be deleterious by in silico analysis. Since supporting evidence is limited at this time, the clinical significance of this alteration remains unclear.

Labcorp Genetics (formerly Invitae), Labcorp
Classification: Uncertain significance for Ataxia-telangiectasia syndrome. Last evaluated: 2025-01-12. Review status: criteria provided, single submitter. Criteria: Invitae Variant Classification Sherloc (09022015). Collection method: clinical testing. Allele origin: germline.
Comment: This sequence change replaces proline, which is neutral and non-polar, with serine, which is neutral and polar, at codon 2842 of the ATM protein (p.Pro2842Ser). This variant is not present in population databases (gnomAD no frequency). This variant has not been reported in the literature in individuals affected with ATM-related conditions. ClinVar contains an entry for this variant (Variation ID: 232029). Invitae Evidence Modeling of protein sequence and biophysical properties (such as structural, functional, and spatial information, amino acid conservation, physicochemical variation, residue mobility, and thermodynamic stability) indicates that this missense variant is expected to disrupt ATM protein function with a positive predictive value of 95%. In summary, the available evidence is currently insufficient to determine the role of this variant in disease. Therefore, it has been classified as a Variant of Uncertain Significance.

Women's Health and Genetics/Laboratory Corporation of America, LabCorp
Classification: Uncertain significance. Last evaluated: 2024-10-11. Review status: criteria provided, single submitter. Criteria: LabCorp Variant Classification Summary - May 2015. Collection method: clinical testing. Allele origin: germline.
Comment: Variant summary: ATM c.8524C>T (p.Pro2842Ser) results in a non-conservative amino acid change located in the Phosphatidylinositol 3-/4-kinase, catalytic domain (IPR000403) of the encoded protein sequence. Five of five in-silico tools predict a damaging effect of the variant on protein function. The variant was absent in 251254 control chromosomes. The available data on variant occurrences in the general population are insufficient to allow any conclusion about variant significance. To our knowledge, no occurrence of c.8524C>T in individuals affected with Breast Cancer and no experimental evidence demonstrating its impact on protein function have been reported. ClinVar contains an entry for this variant (Variation ID: 232029). Based on the evidence outlined above, the variant was classified as uncertain significance.

Baylor Genetics
Classification: Uncertain significance for Familial cancer of breast. Last evaluated: 2023-09-29. Review status: criteria provided, single submitter. Criteria: ACMG Guidelines, 2015. Collection method: clinical testing. Allele origin: unknown.

GeneDx
Classification: Uncertain significance. Last evaluated: 2023-07-16. Review status: criteria provided, single submitter. Criteria: GeneDx Variant Classification Process June 2021. Collection method: clinical testing. Allele origin: germline. Affected: yes.
Comment: Not observed at significant frequency in large population cohorts (gnomAD); In silico analysis supports that this missense variant has a deleterious effect on protein structure/function; Has not been previously published as pathogenic or benign to our knowledge; This variant is associated with the following publications: (PMID: 23532176)

Color Diagnostics, LLC DBA Color Health
Classification: Uncertain significance for Hereditary cancer-predisposing syndrome. Last evaluated: 2022-05-16. Review status: criteria provided, single submitter. Criteria: ACMG Guidelines, 2015. Collection method: clinical testing. Allele origin: germline.
Comment: This missense variant replaces proline with serine at codon 2842 of the ATM protein. Computational prediction suggests that this variant may have deleterious impact on protein structure and function (internally defined REVEL score threshold >= 0.7, PMID: 27666373). To our knowledge, functional studies have not been reported for this variant. This variant has not been reported in individuals affected with hereditary cancer in the literature. This variant has not been identified in the general population by the Genome Aggregation Database (gnomAD). The available evidence is insufficient to determine the role of this variant in disease conclusively. Therefore, this variant is classified as a Variant of Uncertain Significance.

Natera, Inc.
Classification: Uncertain significance for Ataxia-telangiectasia. Last evaluated: 2020-11-06. Review status: no assertion criteria provided. Collection method: clinical testing. Allele origin: germline. Not counted in ClinVar's aggregate classification.

NM_000051.4(ATM):c.8524C>T (p.Pro2842Ser)

Genes: ATM (ATM serine/threonine kinase; plus strand), C11orf65 (chromosome 11 open reading frame 65; minus strand). Cytogenetic location: 11q22.3.
Variant type: single nucleotide variant.
Coding change: c.8524C>T on transcript NM_000051.4 (MANE Select); coding-DNA position 8524, C replaced by T.
Protein change: p.Pro2842Ser; replaces proline 2842 with serine.
Molecular consequence: missense variant. On other transcripts: intron variant (2).
Genome position (GRCh38, 1-based): chr11:108,345,848, C>T. VCF-style: chr11-108345848-C-T. GRCh37 (hg19) VCF-style: chr11-108216575-C-T.
Other names: c.8524C>T, p.Pro2842Ser (NM_001351834.2); c.641-36777G>A (NM_001330368.2); c.695-10556G>A (NM_001351110.2); short protein forms P2842S.
Identifiers: ClinVar variation 232029 (VCV000232029.31), dbSNP rs876659505, ClinGen allele CA10579303.